The following is an entry in ClinVar:

ClinVar aggregate classification (germline): Pathogenic (1 of 4 stars; one submission).

Submission:

Labcorp Genetics (formerly Invitae), Labcorp
Classification: Pathogenic. Last evaluated: 2022-08-16. Review status: criteria provided, single submitter. Criteria: Invitae Variant Classification Sherloc (09022015). Collection method: clinical testing. Allele origin: germline.
Comment: This sequence change creates a premature translational stop signal (p.Val10Glyfs*20) in the SOX10 gene. It is expected to result in an absent or disrupted protein product. Loss-of-function variants in SOX10 are known to be pathogenic (PMID: 9462749, 15004559, 21965087, 33442024). This variant is not present in population databases (gnomAD no frequency). This variant has not been reported in the literature in individuals affected with SOX10-related conditions. For these reasons, this variant has been classified as Pathogenic.

Literature cited by the submitters: PubMed 9462749; PubMed 15004559; PubMed 21965087; PubMed 33442024.

NM_006941.4(SOX10):c.29_138del (p.Val10fs)

Genes: POLR2F (RNA polymerase II, I and III subunit F; plus strand), SOX10 (SRY-box transcription factor 10; minus strand). Cytogenetic location: 22q13.1.
Variant type: Deletion.
Coding change: c.29_138del on transcript NM_006941.4 (MANE Select); coding-DNA positions 29 to 138, 110 bases deleted.
Protein change: p.Val10fs; shifts the reading frame from valine 10.
Molecular consequence: frameshift variant. On other transcripts: intron variant (3).
Genome position (GRCh38, 1-based): chr22:37,983,647-37,983,756, 110 bases deleted. GRCh37 (hg19): chr22:38,379,655-38,379,764.
Other names: c.*38+11338_*38+11447del (NM_001363825.1); c.294-2506_294-2397del (NM_001301130.2); c.293+16478_293+16587del (NM_001301131.2); short protein forms V10fs.
Identifiers: ClinVar variation 2024383 (VCV002024383.4), dbSNP rs2518052769, ClinGen allele CA2580099767.